The following is an entry in ClinVar:

NM_018122.5(DARS2):c.1768T>G (p.Cys590Gly)

Gene: DARS2 (aspartyl-tRNA synthetase 2, mitochondrial; plus strand). Cytogenetic location: 1q25.1.
Variant type: single nucleotide variant.
Coding change: c.1768T>G on transcript NM_018122.5 (MANE Select); coding-DNA position 1768, T replaced by G.
Protein change: p.Cys590Gly; replaces cysteine 590 with glycine.
Molecular consequence: missense variant.
Genome position (GRCh38, 1-based): chr1:173,857,535, T>G. VCF-style: chr1-173857535-T-G. GRCh37 (hg19) VCF-style: chr1-173826673-T-G.
Other names: c.1615T>G, p.Cys539Gly (NM_001365212.1); short protein forms C539G, C590G.
Identifiers: ClinVar variation 1805052 (VCV001805052.1), dbSNP rs761821824, ClinGen allele CA32784512.
Genomic context (GRCh38, chr1:173,857,535, plus strand): 5'-TAGATTACATTTCTCATCTGTTATCTTTGTATTTTACTCACAGGGTTAGACAGACTGATA[T>G]GCCTTGTCACTGGATCTCCAAGCATCAGAGATGTCATAGCCTTCCCAAAGTCCTTCCGGG-3'
Protein context (NP_060592.2, residues 580-600): GIALGLDRLI[Cys590Gly]LVTGSPSIRD

ClinVar aggregate classification (germline): Uncertain significance (1 of 4 stars; one submission).

Conditions:
Leukoencephalopathy with brain stem and spinal cord involvement-high lactate syndrome (LBSL). Also called: LEUKOENCEPHALOPATHY WITH BRAINSTEM AND SPINAL CORD INVOLVEMENT AND LACTATE ELEVATION, MILD; MITOCHONDRIAL ASPARTYL-tRNA SYNTHETASE DEFICIENCY; Leukoencephalopathy with Brainstem and Spinal Cord Involvement and Lactate Elevation. Identifiers: Orphanet 137898, MedGen C1970180, MONDO:0012622, OMIM 611105.

gnomAD v4.1: 2 of 1,614,210 alleles (0.00012%); highest among the groups gnomAD compares: Non-Finnish European, 0.00017%; no homozygotes.

Submission:

Victorian Clinical Genetics Services, Murdoch Childrens Research Institute
Classification: Uncertain significance for Leukoencephalopathy with brain stem and spinal cord involvement-high lactate syndrome. Last evaluated: 2022-02-02. Review status: criteria provided, single submitter. Criteria: ACMG Guidelines, 2015. Collection method: clinical testing. Allele origin: germline. Inheritance: Autosomal recessive inheritance. Affected: yes.
Comment: Based on the classification scheme VCGS_Germline_v1.3.4, this variant is classified as VUS-3A. Following criteria are met: 0102 - Loss of function is a known mechanism of disease in this gene and is associated with leukoencephalopathy with brain stem and spinal cord involvement and lactate elevation (MIM#611105). (I) 0106 - This gene is associated with autosomal recessive disease. (I) 0200 - Variant is predicted to result in a missense amino acid change from cysteine to glycine. (I) 0251 - This variant is heterozygous. (I) 0301 - Variant is absent from gnomAD (both v2 and v3). (SP) 0309 - An alternative amino acid change at the same position has been observed in gnomAD (v2) (5 heterozygotes, 0 homozygotes). (I) 0502 - Missense variant with conflicting in silico predictions and uninformative conservation. (I) 0600 - Variant is located in the annotated tRNA synthetases class II domain (DECIPHER). (I) 0705 - No comparable missense variants have previous evidence for pathogenicity. (I) 0807 - This variant has no previous evidence of pathogenicity. (I) 0905 - No published segregation evidence has been identified for this variant. (I) 1007 - No published functional evidence has been identified for this variant. (I) 1102 - Strong phenotype match for this individual. (SP) 1208 - Inheritance information for this variant is not currently available in this individual. (I) Legend: (SP) - Supporting pathogenic, (I) - Information, (SB) - Supporting benign